The following is an entry in ClinVar:

NM_000545.8(HNF1A):c.527-6_527-3del

Gene: HNF1A (HNF1 homeobox A; plus strand). Cytogenetic location: 12q24.31.
Variant type: Deletion.
Coding change: c.527-6_527-3del on transcript NM_000545.8 (MANE Select); 6 bases into the intron before coding-DNA position 527 through 3 bases into the intron before coding-DNA position 527, 4 bases deleted (CTGC; older notation c.527-6_527-3delCTGC).
Molecular consequence: intron variant.
Genome position (GRCh38, 1-based): chr12:120,993,514-120,993,517, CTGC deleted; deleting any 4 consecutive bases within chr12:120,993,511-120,993,517 gives the same sequence; the c. name uses the placement nearest the transcript's 3' end. VCF-style (leftmost placement, unchanged base first): chr12-120993510-GTGCC-G. GRCh37 (hg19) VCF-style: chr12-121431313-GTGCC-G.
Other names: c.527-6_527-3del (NM_001306179.2, NM_001406915.1).
Identifiers: ClinVar variation 3047647 (VCV003047647.2), dbSNP rs764220373, ClinGen allele CA6831781.

ClinVar aggregate classification (germline): Likely benign (0 of 4 stars; one submission).

Conditions:
HNF1A-related disorder. Also called: HNF1A-related condition.

Submission:

PreventionGenetics, part of Exact Sciences
Classification: Likely benign for HNF1A-related condition. Last evaluated: 2019-03-01. Review status: no assertion criteria provided. Collection method: clinical testing. Allele origin: germline.
Comment: This variant is classified as likely benign based on ACMG/AMP sequence variant interpretation guidelines (Richards et al. 2015 PMID: 25741868, with internal and published modifications).